The following is an entry in ClinVar:

NM_000921.5(PDE3A):c.340G>A (p.Gly114Arg)

Genes: PDE3A (phosphodiesterase 3A; plus strand), PDE3A-AS1 (PDE3A antisense RNA 1; minus strand), LOC124625920 (Sharpr-MPRA regulatory region 8059; plus strand). Cytogenetic location: 12p12.2.
Variant type: single nucleotide variant.
Coding change: c.340G>A on transcript NM_000921.5 (MANE Select); coding-DNA position 340, G replaced by A.
Protein change: p.Gly114Arg; replaces glycine 114 with arginine.
Molecular consequence: missense variant. On other transcripts: 5 prime UTR variant (1).
Genome position (GRCh38, 1-based): chr12:20,369,624, G>A. VCF-style: chr12-20369624-G-A. GRCh37 (hg19) VCF-style: chr12-20522558-G-A.
Other names: c.340G>A, p.Gly114Arg (NM_001378407.1); c.-689G>A (NM_001378408.1); short protein forms G114R.
Identifiers: ClinVar variation 2957200 (VCV002957200.3), dbSNP rs776509114, ClinGen allele CA6473394.

ClinVar aggregate classification (germline): Uncertain significance (1 of 4 stars; one submission).

Allele frequency attached by ClinVar (database versions not stated): TOPMed 0.00001; gnomAD exomes 0.00003; ExAC 0.00004; gnomAD 0.00005.
gnomAD v4.1: 50 of 1,582,300 alleles (0.0032%); highest among the groups gnomAD compares: Non-Finnish European, 0.004%; no homozygotes.

Submission:

Labcorp Genetics (formerly Invitae), Labcorp
Classification: Uncertain significance. Last evaluated: 2023-03-17. Review status: criteria provided, single submitter. Criteria: Invitae Variant Classification Sherloc (09022015). Collection method: clinical testing. Allele origin: germline.
Comment: This variant has not been reported in the literature in individuals affected with PDE3A-related conditions. This variant is present in population databases (rs776509114, gnomAD 0.006%). This sequence change replaces glycine, which is neutral and non-polar, with arginine, which is basic and polar, at codon 114 of the PDE3A protein (p.Gly114Arg). In summary, the available evidence is currently insufficient to determine the role of this variant in disease. Therefore, it has been classified as a Variant of Uncertain Significance. Algorithms developed to predict the effect of missense changes on protein structure and function output the following: SIFT: "Not Available"; PolyPhen-2: "Benign"; Align-GVGD: "Not Available". The arginine amino acid residue is found in multiple mammalian species, which suggests that this missense change does not adversely affect protein function.